The following is an entry in ClinVar:

NM_001457.4(FLNB):c.5294A>C (p.His1765Pro)

Gene: FLNB (filamin B; plus strand). Cytogenetic location: 3p14.3.
Variant type: single nucleotide variant.
Coding change: c.5294A>C on transcript NM_001457.4 (MANE Select); coding-DNA position 5294, A replaced by C.
Protein change: p.His1765Pro; replaces histidine 1765 with proline.
Molecular consequence: missense variant.
Genome position (GRCh38, 1-based): chr3:58,143,482, A>C. VCF-style: chr3-58143482-A-C. GRCh37 (hg19) VCF-style: chr3-58129209-A-C.
Other names: c.5387A>C, p.His1796Pro (NM_001164317.2); c.5261A>C, p.His1754Pro (NM_001164318.2); c.5222A>C, p.His1741Pro (NM_001164319.2); short protein forms H1754P, H1765P, H1741P, H1796P.
Identifiers: ClinVar variation 5006683 (VCV005006683.2).
Genomic context (GRCh38, chr3:58,143,482, plus strand): 5'-TGGGGAAGGTTGCTGGTGGGCTTCATTGCCCCGTCTCTCTGTGCTCCATAGGAGAGGTCC[A>C]CATGCCTTCTGGGAAGACAGCCACACCTGAGATTGTGGACAACAAGGACGGCACGGTCAC-3'
Protein context (NP_001448.2, residues 1755-1775): VRKGEITGEV[His1765Pro]MPSGKTATPE

ClinVar aggregate classification (germline): Uncertain significance (1 of 4 stars; one submission).

Conditions:
Spondylocarpotarsal synostosis syndrome (SCT). Also called: SPONDYLOCARPOTARSAL SYNDROME; VERTEBRAL FUSION WITH CARPAL COALITION; Spondylocarpotarsal Synostosis Syndrome (FLNB-SCT); Synspondylism congenital; Scoliosis, congenital with unilateral unsegmented bar. Identifiers: Orphanet 3275, MedGen C1848934, MONDO:0010094, OMIM 272460.
Boomerang dysplasia. Identifiers: Orphanet 1263, MedGen C0432201, MONDO:0007208, OMIM 112310.
Atelosteogenesis type I. Also called: SPONDYLOHUMEROFEMORAL HYPOPLASIA; GIANT CELL CHONDRODYSPLASIA; Atelosteogenesis Type 1 (FLNB-AO1). Identifiers: Orphanet 1190, MedGen C0265283, MONDO:0007167, OMIM 108720.
Atelosteogenesis type III. Also called: Atelosteogenesis Type 3 (FLNB-AO3). Identifiers: Orphanet 56305, MedGen C3668942, MONDO:0007168, OMIM 108721.
Larsen syndrome (LRS). Also called: Larsen syndrome (FLNB-LS); Bilateral dislocation of the knees, pes cavus, cylindrically shaped fingers and characteristic facies. Identifiers: Orphanet 503, MedGen C0175778, MONDO:0007875, OMIM 150250. Disease mechanism: loss of function.

Submission:

Juno Genomics, Hangzhou Juno Genomics, Inc
Classification: Uncertain significance for Spondylocarpotarsal synostosis syndrome; Atelosteogenesis type I; Atelosteogenesis type III; Boomerang dysplasia; Larsen syndrome. Review status: criteria provided, single submitter. Criteria: ACMG Guidelines, 2015. Collection method: clinical testing. Allele origin: germline.
Comment: Missense variant in a gene that has a low rate of benign missense variation.;Multiple lines of computational evidence support a deleterious effect on the gene or gene product.;Absent from controls (or at extremely low frequency if recessive) in Genome Aggregation Database.